The following is an entry in ClinVar:

ClinVar aggregate classification (germline): Likely pathogenic (1 of 4 stars; one submission).

Conditions:
Adams-Oliver syndrome 5 (AOS5). Identifiers: Orphanet 974, MedGen C4014970, MONDO:0014459, OMIM 616028.
Aortic valve disease 1 (AOVD1). Identifiers: MedGen C3887892, MONDO:0024523, OMIM 109730.

Submission:

Juno Genomics, Hangzhou Juno Genomics, Inc
Classification: Likely pathogenic for Adams-Oliver syndrome 5; Aortic valve disease 1. Review status: criteria provided, single submitter. Criteria: ACMG Guidelines, 2015. Collection method: clinical testing. Allele origin: germline. Affected: yes.
Comment: Absent from controls (or at extremely low frequency if recessive) in Genome Aggregation Database, Exome Sequencing Project, 1000 Genomes Project, or Exome Aggregation Consortium.;Null variant in a gene where loss of function (LOF) is a known mechanism of disease.

NM_017617.5(NOTCH1):c.4972_4976delinsCCTCGC (p.Glu1658fs)

Gene: NOTCH1 (notch receptor 1; minus strand). Cytogenetic location: 9q34.3.
Variant type: Indel.
Coding change: c.4972_4976delinsCCTCGC on transcript NM_017617.5 (MANE Select); coding-DNA positions 4972 to 4976, GAGGG replaced by CCTCGC.
Protein change: p.Glu1658fs; shifts the reading frame from glutamic acid 1658.
Molecular consequence: frameshift variant.
Genome position (GRCh38, 1-based): chr9:136,504,715-136,504,719, CCCTC replaced by GCGAGG on the plus strand (GAGGG replaced by CCTCGC on the coding strand, the reverse complement: NOTCH1 is on the minus strand). VCF-style: chr9-136504715-CCCTC-GCGAGG. GRCh37 (hg19) VCF-style: chr9-139399167-CCCTC-GCGAGG.
Other names: short protein forms E1658fs.
Identifiers: ClinVar variation 4531264 (VCV004531264.1).